The following is an entry in ClinVar:

NM_022132.5(MCCC2):c.544G>A (p.Ala182Thr)

Gene: MCCC2 (methylcrotonyl-CoA carboxylase subunit 2; plus strand). Cytogenetic location: 5q13.2.
Variant type: single nucleotide variant.
Coding change: c.544G>A on transcript NM_022132.5 (MANE Select); coding-DNA position 544, G replaced by A.
Protein change: p.Ala182Thr; replaces alanine 182 with threonine.
Molecular consequence: missense variant.
Genome position (GRCh38, 1-based): chr5:71,604,388, G>A. VCF-style: chr5-71604388-G-A. GRCh37 (hg19) VCF-style: chr5-70900215-G-A.
Other names: c.544G>A, p.Ala182Thr (NM_001363147.1); short protein forms A182T.
Identifiers: ClinVar variation 2097859 (VCV002097859.4), dbSNP rs2530740392, ClinGen allele CA360011736.

ClinVar aggregate classification (germline): Uncertain significance (1 of 4 stars; one submission).

Conditions:
3-methylcrotonyl-CoA carboxylase 2 deficiency. Also called: 3 alpha methylcrotonyl-CoA carboxylase 2 deficiency; 3 alpha methylcrotonylglycinuria 2; MCC 2 deficiency; Methylcrotonylglycinuria type 2; METHYLCROTONYLGLYCINURIA, TYPE II. Identifiers: Orphanet 6, MedGen C1859499, MONDO:0008862, OMIM 210210.

Allele frequency attached by ClinVar (database versions not stated): gnomAD exomes below 0.00001.
gnomAD v4.1: 1 of 1,614,122 alleles (0.000062%); highest among the groups gnomAD compares: Non-Finnish European, 0.000085%; no homozygotes.

Submission:

Labcorp Genetics (formerly Invitae), Labcorp
Classification: Uncertain significance for 3-methylcrotonyl-CoA carboxylase 2 deficiency. Last evaluated: 2022-02-17. Review status: criteria provided, single submitter. Criteria: Invitae Variant Classification Sherloc (09022015). Collection method: clinical testing. Allele origin: germline.
Comment: This sequence change replaces alanine, which is neutral and non-polar, with threonine, which is neutral and polar, at codon 182 of the MCCC2 protein (p.Ala182Thr). This variant is not present in population databases (gnomAD no frequency). This variant has not been reported in the literature in individuals affected with MCCC2-related conditions. Advanced modeling of protein sequence and biophysical properties (such as structural, functional, and spatial information, amino acid conservation, physicochemical variation, residue mobility, and thermodynamic stability) performed at Invitae indicates that this missense variant is expected to disrupt MCCC2 protein function. In summary, the available evidence is currently insufficient to determine the role of this variant in disease. Therefore, it has been classified as a Variant of Uncertain Significance.